The following is an entry in ClinVar:

ClinVar aggregate classification (germline): Uncertain significance (1 of 4 stars; one submission).

Allele frequency attached by ClinVar (database versions not stated): gnomAD exomes below 0.00001.
gnomAD v4.1: 1 of 1,552,254 alleles (0.000064%); highest among the groups gnomAD compares: East Asian, 0.0024%; no homozygotes.

Submission:

Ambry Genetics
Classification: Uncertain significance. Last evaluated: 2021-07-18. Review status: criteria provided, single submitter. Criteria: Ambry Variant Classification Scheme 2023. Collection method: clinical testing. Allele origin: germline.
Comment: The p.A135V variant (also known as c.404C>T), located in coding exon 1 of the TERF2IP gene, results from a C to T substitution at nucleotide position 404. The alanine at codon 135 is replaced by valine, an amino acid with similar properties. This amino acid position is conserved. In addition, this alteration is predicted to be tolerated by in silico analysis. Since supporting evidence is limited at this time, the clinical significance of this alteration remains unclear.

NM_018975.4(TERF2IP):c.404C>T (p.Ala135Val)

Gene: TERF2IP (TERF2 interacting protein; plus strand). Cytogenetic location: 16q23.1.
Variant type: single nucleotide variant.
Coding change: c.404C>T on transcript NM_018975.4 (MANE Select); coding-DNA position 404, C replaced by T.
Protein change: p.Ala135Val; replaces alanine 135 with valine.
Molecular consequence: missense variant. On other transcripts: non-coding transcript variant (1).
Genome position (GRCh38, 1-based): chr16:75,648,286, C>T. VCF-style: chr16-75648286-C-T. GRCh37 (hg19) VCF-style: chr16-75682184-C-T.
Other names: short protein forms A135V.
Identifiers: ClinVar variation 1737349 (VCV001737349.2), dbSNP rs1314146528, ClinGen allele CA396817831.